The following is an entry in ClinVar:

ClinVar aggregate classification (germline): Conflicting classifications of pathogenicity. Review status: criteria provided, conflicting classifications (1 of 4 stars). 10 submissions from 10 submitters: Uncertain significance (1); Benign (4); Likely benign (2). 3 of the submissions do not count toward it. Last evaluated 2026-07-01.

Conditions:
Methylmalonic aciduria due to complete methylmalonyl-CoA mutase deficiency.
Methylmalonic aciduria due to methylmalonyl-CoA mutase deficiency (MAMM). Also called: Methylmalonic aciduria, mut type. Identifiers: Orphanet 27, MedGen C1855114, MONDO:0009612, OMIM 251000.

Allele frequency attached by ClinVar (database versions not stated): 1000 Genomes Project 0.00359; 1000 Genomes Project 30x 0.00359; ESP Exome Variant Server 0.00431; gnomAD 0.00476 and 0.00479; ExAC 0.00488; TOPMed 0.00501; gnomAD exomes 0.00512 and 0.00648.
gnomAD v4.1: 10,190 of 1,613,274 alleles (0.63%); highest among the groups gnomAD compares: Middle Eastern, 2.1%; 55 homozygotes.

Submissions (10):

CeGaT Center for Human Genetics Tuebingen
Classification: Likely benign. Last evaluated: 2026-07-01. Review status: criteria provided, single submitter. Criteria: CeGaT Center For Human Genetics Tuebingen Variant Classification Criteria Version 2. Collection method: clinical testing. Allele origin: germline. Affected: yes. Observed: 18 variant alleles.
Comment: MMUT: BP4, BP7, BS2

Labcorp Genetics (formerly Invitae), Labcorp
Classification: Benign. Last evaluated: 2026-02-04. Review status: criteria provided, single submitter. Criteria: Invitae Variant Classification Sherloc (09022015). Collection method: clinical testing. Allele origin: germline.

ARUP Laboratories, Molecular Genetics and Genomics, ARUP Laboratories
Classification: Benign for Methylmalonic aciduria due to methylmalonyl-CoA mutase deficiency. Last evaluated: 2023-10-23. Review status: criteria provided, single submitter. Criteria: ARUP Molecular Germline Variant Investigation Process 2024. Collection method: clinical testing. Allele origin: germline.

Genome-Nilou Lab
Classification: Likely benign for Methylmalonic aciduria due to methylmalonyl-CoA mutase deficiency. Last evaluated: 2021-05-18. Review status: criteria provided, single submitter. Criteria: ACMG Guidelines, 2015. Collection method: clinical testing. Allele origin: germline. Affected: no.

Illumina Laboratory Services, Illumina
Classification: Uncertain significance for Methylmalonic aciduria due to methylmalonyl-CoA mutase deficiency. Last evaluated: 2018-01-13. Review status: criteria provided, single submitter. Criteria: ICSL Variant Classification Criteria 13 December 2019. Collection method: clinical testing. Allele origin: germline.

GeneDx
Classification: Benign. Last evaluated: 2015-04-06. Review status: criteria provided, single submitter. Criteria: GeneDx Variant Classification (06012015). Collection method: clinical testing. Allele origin: germline. Affected: yes.
Comment: This variant is considered likely benign or benign based on one or more of the following criteria: it is a conservative change, it occurs at a poorly conserved position in the protein, it is predicted to be benign by multiple in silico algorithms, and/or has population frequency not consistent with disease.

Eurofins Ntd Llc (ga)
Classification: Benign. Last evaluated: 2013-02-22. Review status: criteria provided, single submitter. Criteria: EGL Classification Definitions 2015. Collection method: clinical testing. Allele origin: germline. Observed: 3 variant alleles, 3 heterozygotes.

Natera, Inc.
Classification: Benign for Methylmalonic aciduria due to complete methylmalonyl-CoA mutase deficiency. Last evaluated: 2020-09-16. Review status: no assertion criteria provided. Collection method: clinical testing. Allele origin: germline. Not counted in ClinVar's aggregate classification.

Clinical Genetics, Academic Medical Center
Classification: Likely benign. Review status: no assertion criteria provided. Collection method: clinical testing. Allele origin: germline. Affected: yes. Study: VKGL Data-share Consensus. Not counted in ClinVar's aggregate classification.

Diagnostic Laboratory, Department of Genetics, University Medical Center Groningen
Classification: Likely benign for Methylmalonic aciduria due to methylmalonyl-CoA mutase deficiency. Review status: no assertion criteria provided. Collection method: clinical testing. Allele origin: germline. Affected: yes. Study: VKGL Data-share Consensus. Not counted in ClinVar's aggregate classification.

NM_000255.4(MMUT):c.1629C>T (p.Ser543=)

Gene: MMUT (methylmalonyl-CoA mutase; minus strand). Cytogenetic location: 6p12.3.
Variant type: single nucleotide variant.
Coding change: c.1629C>T on transcript NM_000255.4 (MANE Select); coding-DNA position 1629, C replaced by T.
Protein change: p.Ser543=; no amino-acid change (serine 543 retained).
Molecular consequence: synonymous variant.
Genome position (GRCh38, 1-based): chr6:49,444,686, G>A on the plus strand (C>T on the coding strand, the complement: MMUT is on the minus strand). VCF-style: chr6-49444686-G-A. GRCh37 (hg19) VCF-style: chr6-49412399-G-A.
Identifiers: ClinVar variation 92682 (VCV000092682.71), dbSNP rs150642856, ClinGen allele CA145923.